The following is an entry in ClinVar:

ClinVar aggregate classification (germline): Benign (1 of 4 stars; one submission).

Submission:

CeGaT Center for Human Genetics Tuebingen
Classification: Benign. Last evaluated: 2022-10-01. Review status: criteria provided, single submitter. Criteria: CeGaT Center For Human Genetics Tuebingen Variant Classification Criteria Version 2. Collection method: clinical testing. Allele origin: germline. Affected: yes. Observed: 1 variant allele.
Comment: DMD: BS1, BS2

NM_004006.3(DMD):c.6118-75AT[9]

Gene: DMD (dystrophin; minus strand). Cytogenetic location: Xp21.1.
Variant type: Microsatellite.
Coding change: c.6118-75AT[9] on transcript NM_004006.3 (MANE Select); nine copies in a row of the 2-base unit AT starting at c.6118-75; the reference has seven copies in a row; two copies, 4 bases duplicated.
Molecular consequence: intron variant.
Genome position (GRCh38, 1-based): chrX:32,287,763-32,287,766, ATAT duplicated on the plus strand (ATAT on the coding strand, the reverse complement: DMD is on the minus strand); duplicating any 4 consecutive bases within chrX:32,287,763-32,287,777 gives the same sequence; the position shown is the placement nearest the transcript's 3' end. VCF-style (leftmost placement, unchanged base first): chrX-32287762-A-AATAT. GRCh37 (hg19) VCF-style: chrX-32305879-A-AATAT.
Other names: c.6094-75AT[9] (NM_000109.4); c.2095-75AT[9] (NM_004011.4); c.2086-75AT[9] (NM_004012.4); c.6106-75AT[9] (NM_004009.3); c.5749-75AT[9] (NM_004010.3).
Identifiers: ClinVar variation 2660243 (VCV002660243.24), dbSNP rs3842480, ClinGen allele CA641222890.